The following is an entry in ClinVar:

ClinVar aggregate classification (germline): Uncertain significance. Review status: criteria provided, multiple submitters, no conflicts (2 of 4 stars). 2 submissions from 2 submitters: Uncertain significance (2). Last evaluated 2024-08-27.

Allele frequency attached by ClinVar (database versions not stated): gnomAD exomes below 0.00001; gnomAD 0.00002; TOPMed 0.00004.
gnomAD v4.1: 5 of 1,505,126 alleles (0.00033%); highest among the groups gnomAD compares: Admixed American, 0.0092%; no homozygotes.

Submissions (2):

Ambry Genetics
Classification: Uncertain significance. Last evaluated: 2024-08-27. Review status: criteria provided, single submitter. Criteria: Ambry Variant Classification Scheme 2023. Collection method: clinical testing. Allele origin: germline.

Labcorp Genetics (formerly Invitae), Labcorp
Classification: Uncertain significance. Last evaluated: 2023-07-17. Review status: criteria provided, single submitter. Criteria: Invitae Variant Classification Sherloc (09022015). Collection method: clinical testing. Allele origin: germline.
Comment: In summary, the available evidence is currently insufficient to determine the role of this variant in disease. Therefore, it has been classified as a Variant of Uncertain Significance. An algorithm developed to predict the effect of missense changes on protein structure and function (PolyPhen-2) suggests that this variant is likely to be disruptive. This variant has not been reported in the literature in individuals affected with NUP133-related conditions. This variant is not present in population databases (gnomAD no frequency). This sequence change replaces glycine, which is neutral and non-polar, with aspartic acid, which is acidic and polar, at codon 53 of the NUP133 protein (p.Gly53Asp).

NM_018230.3(NUP133):c.158G>A (p.Gly53Asp)

Genes: NUP133 (nucleoporin 133; minus strand), LOC129932732 (ATAC-STARR-seq lymphoblastoid silent region 1931; plus strand). Cytogenetic location: 1q42.13.
Variant type: single nucleotide variant.
Coding change: c.158G>A on transcript NM_018230.3 (MANE Select); coding-DNA position 158, G replaced by A.
Protein change: p.Gly53Asp; replaces glycine 53 with aspartic acid.
Molecular consequence: missense variant.
Genome position (GRCh38, 1-based): chr1:229,508,092, C>T on the plus strand (G>A on the coding strand, the complement: NUP133 is on the minus strand). VCF-style: chr1-229508092-C-T. GRCh37 (hg19) VCF-style: chr1-229643839-C-T.
Other names: c.158G>A (NM_018230.2); short protein forms G53D.
Identifiers: ClinVar variation 2717570 (VCV002717570.4), dbSNP rs1571946994, ClinGen allele CA345165637.